The following is an entry in ClinVar:

NM_005548.3(KARS1):c.63-2700G>C

Gene: KARS1 (lysyl-tRNA synthetase 1; minus strand). Cytogenetic location: 16q23.1.
Variant type: single nucleotide variant.
Coding change: c.63-2700G>C on transcript NM_005548.3 (MANE Select); 2700 bases into the intron before coding-DNA position 63, G replaced by C.
Molecular consequence: intron variant. On other transcripts: missense variant (1).
Genome position (GRCh38, 1-based): chr16:75,644,423, C>G on the plus strand (G>C on the coding strand, the complement: KARS1 is on the minus strand). VCF-style: chr16-75644423-C-G. GRCh37 (hg19) VCF-style: chr16-75678321-C-G.
Other names: c.6G>C, p.Leu2Phe (NM_001130089.2); c.-406-2700G>C (NM_001378148.1); short protein forms L2F.
Identifiers: ClinVar variation 2096841 (VCV002096841.4), dbSNP rs373980534, ClinGen allele CA396816647.

ClinVar aggregate classification (germline): Uncertain significance (1 of 4 stars; one submission).

gnomAD v4.1: 2 of 1,610,688 alleles (0.00012%); highest among the groups gnomAD compares: Admixed American, 0.0017%; no homozygotes.

Submission:

Labcorp Genetics (formerly Invitae), Labcorp
Classification: Uncertain significance. Last evaluated: 2025-11-17. Review status: criteria provided, single submitter. Criteria: Invitae Variant Classification Sherloc (09022015). Collection method: clinical testing. Allele origin: germline.
Comment: This sequence change replaces leucine, which is neutral and non-polar, with phenylalanine, which is neutral and non-polar, at codon 2 of the KARS protein (p.Leu2Phe). This variant is not present in population databases (gnomAD no frequency). This variant has not been reported in the literature in individuals affected with KARS-related conditions. ClinVar contains an entry for this variant (Variation ID: 2096841). An algorithm developed to predict the effect of missense changes on protein structure and function (PolyPhen-2) suggests that this variant is likely to be disruptive. In summary, the available evidence is currently insufficient to determine the role of this variant in disease. Therefore, it has been classified as a Variant of Uncertain Significance.